The following is an entry in ClinVar:

NM_000492.4(CFTR):c.3306A>C (p.Arg1102Ser)

Genes: CFTR-AS2 (CFTR antisense RNA 2; minus strand), CFTR (CF transmembrane conductance regulator; plus strand), LOC111674472 (DNase I hypersensitive sites in introns 16 and 17a of CFTR; plus strand). Cytogenetic location: 7q31.2.
Variant type: single nucleotide variant.
Coding change: c.3306A>C on transcript NM_000492.4 (MANE Select); coding-DNA position 3306, A replaced by C.
Protein change: p.Arg1102Ser; replaces arginine 1102 with serine.
Molecular consequence: missense variant.
Genome position (GRCh38, 1-based): chr7:117,611,747, A>C. VCF-style: chr7-117611747-A-C. GRCh37 (hg19) VCF-style: chr7-117251801-A-C.
Other names: short protein forms R1102S.
Identifiers: ClinVar variation 2453633 (VCV002453633.2), dbSNP rs746620950, ClinGen allele CA368992464.
Genomic context (GRCh38, chr7:117,611,747, plus strand): 5'-GAATTTACATACTGCCAACTGGTTCTTGTACCTGTCAACACTGCGCTGGTTCCAAATGAG[A>C]ATAGAAATGATTTTTGTCATCTTCTTCATTGCTGTTACCTTCATTTCCATTTTAACAACA-3'
Protein context (NP_000483.3, residues 1092-1112): YLSTLRWFQM[Arg1102Ser]IEMIFVIFFI

ClinVar aggregate classification (germline): Uncertain significance (1 of 4 stars; one submission).

Conditions:
Cystic fibrosis (CF). Also called: MUCOVISCIDOSIS. Identifiers: Orphanet 586, MedGen C0010674, MONDO:0009061, OMIM 219700. Disease mechanism: loss of function.

Submission:

Ambry Genetics
Classification: Uncertain significance for Cystic fibrosis. Last evaluated: 2022-12-25. Review status: criteria provided, single submitter. Criteria: Ambry Variant Classification Scheme 2023. Collection method: clinical testing. Allele origin: germline.
Comment: The p.R1102S variant (also known as c.3306A>C), located in coding exon 20 of the CFTR gene, results from an A to C substitution at nucleotide position 3306. The arginine at codon 1102 is replaced by serine, an amino acid with dissimilar properties. This amino acid position is conserved. In addition, this alteration is predicted to be deleterious by in silico analysis. Since supporting evidence is limited at this time, the clinical significance of this alteration remains unclear.